The following is an entry in ClinVar:

NM_002354.3(EPCAM):c.827T>C (p.Val276Ala)

Gene: EPCAM (epithelial cell adhesion molecule; plus strand). Cytogenetic location: 2p21.
Variant type: single nucleotide variant.
Coding change: c.827T>C on transcript NM_002354.3 (MANE Select); coding-DNA position 827, T replaced by C.
Protein change: p.Val276Ala; replaces valine 276 with alanine.
Molecular consequence: missense variant.
Genome position (GRCh38, 1-based): chr2:47,379,938, T>C. VCF-style: chr2-47379938-T-C. GRCh37 (hg19) VCF-style: chr2-47607077-T-C.
Other names: short protein forms V276A.
Identifiers: ClinVar variation 4640279 (VCV004640279.1).
Genomic context (GRCh38, chr2:47,379,938, plus strand): 5'-CACCTGAATTCTCAATGCAGGGTCTAAAAGCTGGTGTTATTGCTGTTATTGTGGTTGTGG[T>C]GATAGCAGTTGTTGCTGGAATTGTTGTGCTGGTGAGTACAGAACAAGTAAAATTTCATTT-3'
Protein context (NP_002345.2, residues 266-286): AGVIAVIVVV[Val276Ala]IAVVAGIVVL

ClinVar aggregate classification (germline): Uncertain significance (1 of 4 stars; one submission).

Conditions:
Hereditary cancer-predisposing syndrome. Also called: Neoplastic Syndromes, Hereditary; Tumor predisposition; Hereditary Cancer Syndrome; Hereditary neoplastic syndrome. Identifiers: Orphanet 140162, MedGen C0027672, MeSH D009386, MONDO:0015356.

Submission:

Ambry Genetics
Classification: Uncertain significance for Hereditary cancer-predisposing syndrome. Last evaluated: 2025-11-26. Review status: criteria provided, single submitter. Criteria: Ambry Variant Classification Scheme 2023. Collection method: clinical testing. Allele origin: germline.
Comment: The p.V276A variant (also known as c.827T>C), located in coding exon 7 of the EPCAM gene, results from a T to C substitution at nucleotide position 827. The valine at codon 276 is replaced by alanine, an amino acid with similar properties. This amino acid position is conserved. In addition, this alteration is predicted to be tolerated by in silico analysis. Based on the available evidence, the clinical significance of this variant remains unclear.